The following is an entry in ClinVar:

ClinVar aggregate classification (germline): Uncertain significance (1 of 4 stars; one submission).

gnomAD v4.1: 9 of 1,587,792 alleles (0.00057%); highest among the groups gnomAD compares: Middle Eastern, 0.017%; no homozygotes.

Submission:

Women's Health and Genetics/Laboratory Corporation of America, LabCorp
Classification: Uncertain significance. Last evaluated: 2024-06-21. Review status: criteria provided, single submitter. Criteria: LabCorp Variant Classification Summary - May 2015. Collection method: clinical testing. Allele origin: germline.
Comment: Variant summary: PKD2 c.*6G>A is located in the untranslated mRNA region downstream of the termination codon. The variant allele was found at a frequency of 1.2e-05 in 250242 control chromosomes. The available data on variant occurrences in the general population are insufficient to allow any conclusion about variant significance. To our knowledge, no occurrence of c.*6G>A in individuals affected with Polycystic Kidney Disease 2 and no experimental evidence demonstrating its impact on protein function have been reported. No submitters have cited clinical-significance assessments for this variant to ClinVar. Based on the evidence outlined above, the variant was classified as uncertain significance.

NM_000297.4(PKD2):c.*6G>A

Gene: PKD2 (polycystin 2, transient receptor potential cation channel; plus strand). Cytogenetic location: 4q22.1.
Variant type: single nucleotide variant.
Coding change: c.*6G>A on transcript NM_000297.4 (MANE Select); 6 bases downstream of the stop codon, G replaced by A.
Molecular consequence: 3 prime UTR variant. On other transcripts: non-coding transcript variant (1).
Genome position (GRCh38, 1-based): chr4:88,075,700, G>A. VCF-style: chr4-88075700-G-A. GRCh37 (hg19) VCF-style: chr4-88996852-G-A.
Identifiers: ClinVar variation 3339873 (VCV003339873.1).
Genomic context (GRCh38, chr4:88,075,700, plus strand): 5'-TACAGAAGGCATGGAAGGTGCAGGTGGAAATGGGAGTTCTAATGTCCACGTATGATATGT[G>A]TGTTTCAGTATGTGTGTTTCTAATAAGTGAGGAAGTGGCTGTCCTGAATTGCTGTAACAA-3'